The following is an entry in ClinVar:

NM_015693.4(INTU):c.2173del (p.Asp725fs)

Gene: INTU (inturned planar cell polarity protein; plus strand). Cytogenetic location: 4q28.1.
Variant type: Deletion.
Coding change: c.2173del on transcript NM_015693.4 (MANE Select); coding-DNA position 2173, one base deleted (G; older notation c.2173delG).
Protein change: p.Asp725fs; shifts the reading frame from aspartic acid 725.
Molecular consequence: frameshift variant.
Genome position (GRCh38, 1-based): chr4:127,706,871, G deleted. VCF-style (leftmost placement, unchanged base first): chr4-127706870-AG-A. GRCh37 (hg19) VCF-style: chr4-128628025-AG-A.
Other names: short protein forms D725fs.
Identifiers: ClinVar variation 2791182 (VCV002791182.3), dbSNP rs1423846093, ClinGen allele CA555019578.

ClinVar aggregate classification (germline): Uncertain significance (1 of 4 stars; one submission).

Allele frequency attached by ClinVar (database versions not stated): gnomAD exomes 0.00001.

Submission:

Labcorp Genetics (formerly Invitae), Labcorp
Classification: Uncertain significance. Last evaluated: 2024-10-30. Review status: criteria provided, single submitter. Criteria: Invitae Variant Classification Sherloc (09022015). Collection method: clinical testing. Allele origin: germline.
Comment: This sequence change creates a premature translational stop signal (p.Asp725Metfs*25) in the INTU gene. It is expected to result in an absent or disrupted protein product. However, the current clinical and genetic evidence is not sufficient to establish whether loss-of-function variants in INTU cause disease. This variant is present in population databases (no rsID available, gnomAD 0.0009%). This variant has not been reported in the literature in individuals affected with INTU-related conditions. ClinVar contains an entry for this variant (Variation ID: 2791182). Algorithms developed to predict the effect of sequence changes on RNA splicing suggest that this variant may disrupt the consensus splice site. In summary, the available evidence is currently insufficient to determine the role of this variant in disease. Therefore, it has been classified as a Variant of Uncertain Significance.